The following is an entry in ClinVar:

NM_001184.4(ATR):c.5251A>G (p.Thr1751Ala)

Gene: ATR (ATR checkpoint kinase; minus strand). Cytogenetic location: 3q23.
Variant type: single nucleotide variant.
Coding change: c.5251A>G on transcript NM_001184.4 (MANE Select); coding-DNA position 5251, A replaced by G.
Protein change: p.Thr1751Ala; replaces threonine 1751 with alanine.
Molecular consequence: missense variant.
Genome position (GRCh38, 1-based): chr3:142,503,399, T>C on the plus strand (A>G on the coding strand, the complement: ATR is on the minus strand). VCF-style: chr3-142503399-T-C. GRCh37 (hg19) VCF-style: chr3-142222241-T-C.
Other names: c.5059A>G, p.Thr1687Ala (NM_001354579.2); short protein forms T1687A, T1751A.
Identifiers: ClinVar variation 1368949 (VCV001368949.8), dbSNP rs2108351776, ClinGen allele CA354818395.

ClinVar aggregate classification (germline): Uncertain significance (1 of 4 stars; one submission).

Submission:

Labcorp Genetics (formerly Invitae), Labcorp
Classification: Uncertain significance. Last evaluated: 2020-12-08. Review status: criteria provided, single submitter. Criteria: Invitae Variant Classification Sherloc (09022015). Collection method: clinical testing. Allele origin: germline.
Comment: In summary, the available evidence is currently insufficient to determine the role of this variant in disease. Therefore, it has been classified as a Variant of Uncertain Significance. Algorithms developed to predict the effect of missense changes on protein structure and function (SIFT, PolyPhen-2, Align-GVGD) all suggest that this variant is likely to be tolerated, but these predictions have not been confirmed by published functional studies and their clinical significance is uncertain. This variant has not been reported in the literature in individuals with ATR-related conditions. This variant is not present in population databases (ExAC no frequency). This sequence change replaces threonine with alanine at codon 1751 of the ATR protein (p.Thr1751Ala). The threonine residue is moderately conserved and there is a small physicochemical difference between threonine and alanine.